The following is an entry in ClinVar:

NM_000298.6(PKLR):c.491C>A (p.Thr164Asn)

Gene: PKLR (pyruvate kinase L/R; minus strand). Cytogenetic location: 1q22.
Variant type: single nucleotide variant.
Coding change: c.491C>A on transcript NM_000298.6 (MANE Select); coding-DNA position 491, C replaced by A.
Protein change: p.Thr164Asn; replaces threonine 164 with asparagine.
Molecular consequence: missense variant.
Genome position (GRCh38, 1-based): chr1:155,295,453, G>T on the plus strand (C>A on the coding strand, the complement: PKLR is on the minus strand). VCF-style: chr1-155295453-G-T. GRCh37 (hg19) VCF-style: chr1-155265244-G-T.
Other names: c.398C>A, p.Thr133Asn (NM_181871.4); short protein forms T133N, T164N.
Identifiers: ClinVar variation 875547 (VCV000875547.4), dbSNP rs1220156417, ClinGen allele CA342755455.

ClinVar aggregate classification (germline): Uncertain significance (1 of 4 stars; one submission).

Conditions:
Pyruvate kinase deficiency of red cells (CNSHA2). Also called: PK DEFICIENCY; PYRUVATE KINASE DEFICIENCY OF ERYTHROCYTE; Pyruvate kinase deficiency, Amish type. Identifiers: Orphanet 766, MedGen C0340968, MONDO:0009950, OMIM 266200.

Allele frequency attached by ClinVar (database versions not stated): gnomAD exomes below 0.00001.
gnomAD v4.1: 23 of 1,609,170 alleles (0.0014%); highest among the groups gnomAD compares: Non-Finnish European, 0.002%; no homozygotes.

Submission:

Illumina Laboratory Services, Illumina
Classification: Uncertain significance for Pyruvate kinase deficiency of red cells. Last evaluated: 2017-08-29. Review status: criteria provided, single submitter. Criteria: ICSL Variant Classification Criteria 13 December 2019. Collection method: clinical testing. Allele origin: germline.
Comment: This variant was observed as part of a predisposition screen in an ostensibly healthy population. A literature search was performed for the gene, cDNA change, and amino acid change (where applicable). Publications were found based on this search. However, the evidence from the literature, in combination with allele frequency data from public databases where available, was not sufficient to rule this variant in or out of causing disease. Therefore, this variant is classified as a variant of unknown significance.

Literature cited by the submitters: PubMed 26832193; PubMed 19758413.